The following is an entry in ClinVar:

ClinVar aggregate classification (germline): Uncertain significance (1 of 4 stars; one submission).

gnomAD v4.1: 5 of 1,612,614 alleles (0.00031%); highest among the groups gnomAD compares: Non-Finnish European, 0.00042%; no homozygotes.

Submission:

Labcorp Genetics (formerly Invitae), Labcorp
Classification: Uncertain significance. Last evaluated: 2025-09-28. Review status: criteria provided, single submitter. Criteria: Invitae Variant Classification Sherloc (09022015). Collection method: clinical testing. Allele origin: germline.
Comment: This sequence change replaces glycine, which is neutral and non-polar, with glutamic acid, which is acidic and polar, at codon 59 of the RPS15A protein (p.Gly59Glu). This variant is not present in population databases (gnomAD no frequency). This variant has not been reported in the literature in individuals affected with RPS15A-related conditions. An algorithm developed to predict the effect of missense changes on protein structure and function (PolyPhen-2) suggests that this variant is likely to be disruptive. In summary, the available evidence is currently insufficient to determine the role of this variant in disease. Therefore, it has been classified as a Variant of Uncertain Significance.

NM_001019.5(RPS15A):c.176G>A (p.Gly59Glu)

Gene: RPS15A (ribosomal protein S15a; minus strand). Cytogenetic location: 16p12.3.
Variant type: single nucleotide variant.
Coding change: c.176G>A on transcript NM_001019.5 (MANE Select); coding-DNA position 176, G replaced by A.
Protein change: p.Gly59Glu; replaces glycine 59 with glutamic acid.
Molecular consequence: missense variant.
Genome position (GRCh38, 1-based): chr16:18,788,100, C>T on the plus strand (G>A on the coding strand, the complement: RPS15A is on the minus strand). VCF-style: chr16-18788100-C-T. GRCh37 (hg19) VCF-style: chr16-18799422-C-T.
Other names: c.176G>A, p.Gly59Glu (NM_001030009.2); short protein forms G59E.
Identifiers: ClinVar variation 4761468 (VCV004761468.1).